The following is an entry in ClinVar:

NM_001267550.2(TTN):c.106727T>C (p.Val35576Ala)

Genes: TTN (titin; minus strand), TTN-AS1 (TTN antisense RNA 1; plus strand). Cytogenetic location: 2q31.2.
Variant type: single nucleotide variant.
Coding change: c.106727T>C on transcript NM_001267550.2 (MANE Select); coding-DNA position 106727, T replaced by C.
Protein change: p.Val35576Ala; replaces valine 35576 with alanine.
Molecular consequence: missense variant.
Genome position (GRCh38, 1-based): chr2:178,529,024, A>G on the plus strand (T>C on the coding strand, the complement: TTN is on the minus strand). VCF-style: chr2-178529024-A-G. GRCh37 (hg19) VCF-style: chr2-179393751-A-G.
Other names: c.101804T>C, p.Val33935Ala (NM_001256850.1); c.79532T>C, p.Val26511Ala (NM_003319.4); c.99023T>C, p.Val33008Ala (NM_133378.4); c.79907T>C, p.Val26636Ala (NM_133432.3); c.80108T>C, p.Val26703Ala (NM_133437.4); short protein forms V26511A, V26636A, V26703A, V33008A, V33935A, V35576A.
Identifiers: ClinVar variation 3906748 (VCV003906748.1).

ClinVar aggregate classification (germline): Uncertain significance (1 of 4 stars; one submission).

gnomAD v4.1: 2 of 1,613,878 alleles (0.00012%); highest among the groups gnomAD compares: African/African-American, 0.0027%; no homozygotes.

Submission:

GeneDx
Classification: Uncertain significance. Last evaluated: 2024-12-18. Review status: criteria provided, single submitter. Criteria: GeneDx Variant Classification Process June 2021. Collection method: clinical testing. Allele origin: germline. Affected: yes.
Comment: Not observed at significant frequency in large population cohorts (gnomAD); Missense variant in a gene in which most reported pathogenic variants are truncating/loss of function; Has not been previously published as pathogenic or benign to our knowledge